The following is an entry in ClinVar:

NM_003978.5(PSTPIP1):c.940C>T (p.Leu314=)

Gene: PSTPIP1 (proline-serine-threonine phosphatase interacting protein 1; plus strand). Cytogenetic location: 15q24.3.
Variant type: single nucleotide variant.
Coding change: c.940C>T on transcript NM_003978.5 (MANE Select); coding-DNA position 940, C replaced by T.
Protein change: p.Leu314=; no amino-acid change (leucine 314 retained).
Molecular consequence: synonymous variant. On other transcripts: non-coding transcript variant (1).
Genome position (GRCh38, 1-based): chr15:77,035,518, C>T. VCF-style: chr15-77035518-C-T. GRCh37 (hg19) VCF-style: chr15-77327859-C-T.
Other names: c.883C>T, p.Leu295= (NM_001321135.2); c.913C>T, p.Leu305= (NM_001321136.2); c.1135C>T, p.Leu379= (NM_001321137.1).
Identifiers: ClinVar variation 317182 (VCV000317182.30), dbSNP rs201582038, ClinGen allele CA7676092.

ClinVar aggregate classification (germline): Benign/Likely benign. Review status: criteria provided, multiple submitters, no conflicts (2 of 4 stars). 7 submissions from 7 submitters: Benign (5); Likely benign (2). Last evaluated 2026-01-27.

Conditions:
Autoinflammatory syndrome. Identifiers: Orphanet 93665, MedGen C3890737, MONDO:0019751.
Pyogenic arthritis-pyoderma gangrenosum-acne syndrome (PAPA). Also called: PAPA SYNDROME; FAMILIAL RECURRENT ARTHRITIS. Identifiers: Orphanet 69126, MedGen C1858361, MONDO:0011462, OMIM 604416.

Allele frequency attached by ClinVar (database versions not stated): ExAC 0.00231; 1000 Genomes Project 0.00359; ESP Exome Variant Server 0.00395; 1000 Genomes Project 30x 0.00422; gnomAD 0.00454 and 0.00495; TOPMed 0.00527; gnomAD exomes 0.00048 and 0.00094.

Submissions (7):

Labcorp Genetics (formerly Invitae), Labcorp
Classification: Benign for Pyogenic arthritis-pyoderma gangrenosum-acne syndrome. Last evaluated: 2026-01-27. Review status: criteria provided, single submitter. Criteria: Invitae Variant Classification Sherloc (09022015). Collection method: clinical testing. Allele origin: germline.

Blueprint Genetics
Classification: Likely benign. Last evaluated: 2024-11-25. Review status: criteria provided, single submitter. Criteria: ACMG Guidelines, 2015. Collection method: clinical testing. Allele origin: germline.

ARUP Laboratories, Molecular Genetics and Genomics, ARUP Laboratories
Classification: Benign for Pyogenic arthritis-pyoderma gangrenosum-acne syndrome. Last evaluated: 2024-09-16. Review status: criteria provided, single submitter. Criteria: ARUP Molecular Germline Variant Investigation Process 2024. Collection method: clinical testing. Allele origin: germline.

Genome Diagnostics Laboratory, The Hospital for Sick Children
Classification: Likely benign for Autoinflammatory syndrome. Last evaluated: 2021-02-18. Review status: criteria provided, single submitter. Criteria: ACMG Guidelines, 2015. Collection method: clinical testing. Allele origin: germline. Affected: yes.

Illumina Laboratory Services, Illumina
Classification: Benign for Pyogenic arthritis-pyoderma gangrenosum-acne syndrome. Last evaluated: 2018-01-13. Review status: criteria provided, single submitter. Criteria: ICSL Variant Classification Criteria 13 December 2019. Collection method: clinical testing. Allele origin: germline.
Comment: This variant was observed in the ICSL laboratory as part of a predisposition screen in an ostensibly healthy population. It had not been previously curated by ICSL or reported in the Human Gene Mutation Database (HGMD: prior to June 1st, 2018), and was therefore a candidate for classification through an automated scoring system. Utilizing variant allele frequency, disease prevalence and penetrance estimates, and inheritance mode, an automated score was calculated to assess if this variant is too frequent to cause the disease. Based on the score and internal cut-off values, a variant classified as benign is not then subjected to further curation. The score for this variant resulted in a classification of benign for this disease.

GeneDx
Classification: Benign. Last evaluated: 2015-03-03. Review status: criteria provided, single submitter. Criteria: GeneDx Variant Classification Process June 2021. Collection method: clinical testing. Allele origin: germline. Affected: yes.

Breakthrough Genomics
Classification: Benign. Review status: criteria provided, single submitter. Criteria: ACMG Guidelines, 2015. Collection method: not provided. Allele origin: germline. Inheritance: Autosomal dominant inheritance. Affected: yes.